The following is an entry in ClinVar:

ClinVar aggregate classification (germline): Uncertain significance (1 of 4 stars; one submission).

Conditions:
Parathyroid carcinoma (PRTC). Also called: CDC73-Related Parathyroid Carcinoma; Parathyroid gland carcinoma. Identifiers: Orphanet 143, MedGen C0687150, MONDO:0012004, OMIM 608266, HP:0006780.

Allele frequency attached by ClinVar (database versions not stated): gnomAD exomes below 0.00001.
gnomAD v4.1: 1 of 1,591,502 alleles (0.000063%); highest among the groups gnomAD compares: Non-Finnish European, 0.000086%; no homozygotes.

Submission:

Labcorp Genetics (formerly Invitae), Labcorp
Classification: Uncertain significance for Parathyroid carcinoma. Last evaluated: 2022-08-25. Review status: criteria provided, single submitter. Criteria: Invitae Variant Classification Sherloc (09022015). Collection method: clinical testing. Allele origin: germline.
Comment: This sequence change falls in intron 5 of the CDC73 gene. It does not directly change the encoded amino acid sequence of the CDC73 protein. This variant is not present in population databases (gnomAD no frequency). This variant has not been reported in the literature in individuals affected with CDC73-related conditions. Algorithms developed to predict the effect of sequence changes on RNA splicing suggest that this variant may disrupt the consensus splice site. In summary, the available evidence is currently insufficient to determine the role of this variant in disease. Therefore, it has been classified as a Variant of Uncertain Significance.

NM_024529.5(CDC73):c.424-15A>G

Gene: CDC73 (cell division cycle 73; plus strand). Cytogenetic location: 1q31.2.
Variant type: single nucleotide variant.
Coding change: c.424-15A>G on transcript NM_024529.5 (MANE Select); 15 bases into the intron before coding-DNA position 424, A replaced by G.
Molecular consequence: intron variant.
Genome position (GRCh38, 1-based): chr1:193,138,070, A>G. VCF-style: chr1-193138070-A-G. GRCh37 (hg19) VCF-style: chr1-193107200-A-G.
Identifiers: ClinVar variation 1965827 (VCV001965827.5), dbSNP rs2527317334, ClinGen allele CA2573971513.